The following is an entry in ClinVar:

NM_001142800.2(EYS):c.2000G>A (p.Arg667His)

Gene: EYS (EGF-like photoreceptor maintenance factor; minus strand). Cytogenetic location: 6q12.
Variant type: single nucleotide variant.
Coding change: c.2000G>A on transcript NM_001142800.2 (MANE Select); coding-DNA position 2000, G replaced by A.
Protein change: p.Arg667His; replaces arginine 667 with histidine.
Molecular consequence: missense variant.
Genome position (GRCh38, 1-based): chr6:65,295,886, C>T on the plus strand (G>A on the coding strand, the complement: EYS is on the minus strand). VCF-style: chr6-65295886-C-T. GRCh37 (hg19) VCF-style: chr6-66005779-C-T.
Other names: c.2000G>A, p.Arg667His (NM_001292009.2); short protein forms R667H.
Identifiers: ClinVar variation 438193 (VCV000438193.59), dbSNP rs549456693, ClinGen allele CA3877355.

ClinVar aggregate classification (germline): Uncertain significance. Review status: criteria provided, multiple submitters, no conflicts (2 of 4 stars). 10 submissions from 10 submitters: Uncertain significance (6). 4 of the submissions do not count toward it. Last evaluated 2026-07-07.

Conditions:
EYS-related disorder. Also called: EYS-related condition.
Retinitis pigmentosa (RP). Identifiers: Orphanet 791, MedGen C0035334, MeSH D012174, MONDO:0019200, OMIM 268000. Inheritance: Autosomal dominant, autosomal recessive and X linked inheritance.
Retinitis pigmentosa 25 (RP25). Identifiers: Orphanet 791, MedGen C1864446, MONDO:0011272, OMIM 602772.

Allele frequency attached by ClinVar (database versions not stated): TOPMed 0.00064; 1000 Genomes Project 30x 0.00078; 1000 Genomes Project 0.00080.
gnomAD v4.1: 441 of 1,547,622 alleles (0.028%); highest among the groups gnomAD compares: African/African-American, 0.14%; no homozygotes.

Submissions (10):

PreventionGenetics, part of Exact Sciences
Classification: Uncertain significance for EYS-related condition. Last evaluated: 2026-07-07. Review status: criteria provided, single submitter. Criteria: ACMG Guidelines, 2015. Collection method: clinical testing. Allele origin: germline.
Comment: The EYS c.2000G>A variant is predicted to result in the amino acid substitution p.Arg667His. This variant was reported, either in the homozygous state or in the heterozygous state along with a second potentially causative variant in the same gene, in individuals with retinitis pigmentosa (supplementary data, Carss et al. 2017. PubMed ID: 28041643; supplementary data, Yang et al. 2020. PubMed ID: 32218477; supplementary data, Turro et al. 2020. PubMed ID: 32581362; supplementary data, Lin et al. 2024. PubMed ID: 38219857; supplementary data, Jespersgaard et al. 2019. PubMed ID: 30718709). This variant has also been described in large cohorts of individuals with retinal disease (supplementary data, Gao et al. 2019. PubMed ID: 31054281). However, this variant is also reported in 0.17% of alleles in individuals of African descent in gnomAD, which may be too frequent to be a primary cause of disease. At this time, the clinical significance of this variant is uncertain due to the absence of conclusive functional and genetic evidence.

Blueprint Genetics
Classification: Uncertain significance. Last evaluated: 2024-10-30. Review status: criteria provided, single submitter. Criteria: ACMG Guidelines, 2015. Collection method: clinical testing. Allele origin: germline.

CeGaT Center for Human Genetics Tuebingen
Classification: Uncertain significance. Last evaluated: 2024-01-01. Review status: criteria provided, single submitter. Criteria: CeGaT Center For Human Genetics Tuebingen Variant Classification Criteria Version 2. Collection method: clinical testing. Allele origin: germline. Affected: yes. Observed: 3 variant alleles.
Comment: EYS: PM2, BP4

Labcorp Genetics (formerly Invitae), Labcorp
Classification: Uncertain significance. Last evaluated: 2022-09-27. Review status: criteria provided, single submitter. Criteria: Invitae Variant Classification Sherloc (09022015). Collection method: clinical testing. Allele origin: germline.
Comment: This sequence change replaces arginine, which is basic and polar, with histidine, which is basic and polar, at codon 667 of the EYS protein (p.Arg667His). This variant is present in population databases (rs549456693, gnomAD 0.2%). This missense change has been observed in individual(s) with retinitis pigmentosa (PMID: 28041643, 30718709, 31054281). ClinVar contains an entry for this variant (Variation ID: 438193). Algorithms developed to predict the effect of missense changes on protein structure and function (SIFT, PolyPhen-2, Align-GVGD) all suggest that this variant is likely to be tolerated. In summary, the available evidence is currently insufficient to determine the role of this variant in disease. Therefore, it has been classified as a Variant of Uncertain Significance.

Fulgent Genetics
Classification: Uncertain significance for Retinitis pigmentosa 25. Last evaluated: 2022-05-26. Review status: criteria provided, single submitter. Criteria: ACMG Guidelines, 2015. Collection method: clinical testing. Allele origin: unknown.

Illumina Laboratory Services, Illumina
Classification: Uncertain significance for Retinitis pigmentosa. Last evaluated: 2018-01-13. Review status: criteria provided, single submitter. Criteria: ICSL Variant Classification Criteria 13 December 2019. Collection method: clinical testing. Allele origin: germline.

Natera, Inc.
Classification: Uncertain significance for Retinitis pigmentosa. Last evaluated: 2020-01-06. Review status: no assertion criteria provided. Collection method: clinical testing. Allele origin: germline. Not counted in ClinVar's aggregate classification.

Department of Clinical Genetics, Copenhagen University Hospital, Rigshospitalet
Classification: Uncertain significance for Retinitis pigmentosa. Last evaluated: 2018-04-01. Review status: no assertion criteria provided. Collection method: research. Allele origin: unknown. Affected: yes. Study: VeluxRD. Not counted in ClinVar's aggregate classification.

Counsyl
Classification: Uncertain significance for Retinitis pigmentosa 25. Last evaluated: 2017-10-24. Review status: no assertion criteria provided. Collection method: clinical testing. Allele origin: unknown. Not counted in ClinVar's aggregate classification.

NIHR Bioresource Rare Diseases, University of Cambridge
Classification: Likely pathogenic for Retinitis pigmentosa. Last evaluated: 2015-01-01. Review status: no assertion criteria provided. Collection method: research. Allele origin: unknown. Affected: yes. Observed: 1 variant allele. Not counted in ClinVar's aggregate classification.

Literature cited by the submitters: PubMed 28041643 (cited by 3 submitters); PubMed 30718709 (cited by Labcorp Genetics (formerly Invitae), Labcorp and Department of Clinical Genetics, Copenhagen University Hospital, Rigshospitalet); PubMed 31054281 (cited by Labcorp Genetics (formerly Invitae), Labcorp).